The following is an entry in ClinVar:

ClinVar aggregate classification (germline): Pathogenic (1 of 4 stars; one submission).

Allele frequency attached by ClinVar (database versions not stated): gnomAD exomes 0.00001.
gnomAD v4.1: 8 of 1,613,868 alleles (0.0005%); highest among the groups gnomAD compares: Non-Finnish European, 0.00068%; no homozygotes.

Submission:

Labcorp Genetics (formerly Invitae), Labcorp
Classification: Pathogenic. Last evaluated: 2023-03-08. Review status: criteria provided, single submitter. Criteria: Invitae Variant Classification Sherloc (09022015). Collection method: clinical testing. Allele origin: germline.
Comment: For these reasons, this variant has been classified as Pathogenic. This variant has not been reported in the literature in individuals affected with TBCD-related conditions. This variant is present in population databases (no rsID available, gnomAD 0.0009%). This sequence change creates a premature translational stop signal (p.Gln410*) in the TBCD gene. It is expected to result in an absent or disrupted protein product. Loss-of-function variants in TBCD are known to be pathogenic (PMID: 27666370, 27666374).

Literature cited by the submitters: PubMed 27666370; PubMed 27666374.

NM_005993.5(TBCD):c.1228C>T (p.Gln410Ter)

Gene: TBCD (tubulin folding cofactor D). Cytogenetic location: 17q25.3.
Variant type: single nucleotide variant.
Coding change: c.1228C>T on transcript NM_005993.5 (MANE Select); coding-DNA position 1228, C replaced by T.
Protein change: p.Gln410Ter; replaces glutamine 410 with a stop codon.
Molecular consequence: nonsense.
Genome position (GRCh38, 1-based): chr17:82,814,844, C>T. VCF-style: chr17-82814844-C-T. GRCh37 (hg19) VCF-style: chr17-80772720-C-T.
Other names: c.1177C>T, p.Gln393Ter (NM_001411101.1); c.1228C>T, p.Gln410Ter (NM_001411102.1); short protein forms Q393*, Q410*.
Identifiers: ClinVar variation 2843738 (VCV002843738.3), dbSNP rs1369494837, ClinGen allele CA401620632.